The following is an entry in ClinVar:

ClinVar aggregate classification (germline): Uncertain significance. Review status: criteria provided, multiple submitters, no conflicts (2 of 4 stars). 2 submissions from 2 submitters: Uncertain significance (2). Last evaluated 2025-04-23.

Allele frequency attached by ClinVar (database versions not stated): gnomAD exomes 0.00001 and 0.00002; TOPMed 0.00001; ExAC 0.00002.
gnomAD v4.1: 6 of 1,613,990 alleles (0.00037%); highest among the groups gnomAD compares: Admixed American, 0.0067%; no homozygotes.

Submissions (2):

Labcorp Genetics (formerly Invitae), Labcorp
Classification: Uncertain significance. Last evaluated: 2025-04-23. Review status: criteria provided, single submitter. Criteria: Invitae Variant Classification Sherloc (09022015). Collection method: clinical testing. Allele origin: germline.
Comment: This sequence change replaces lysine, which is basic and polar, with threonine, which is neutral and polar, at codon 2106 of the MYO7A protein (p.Lys2106Thr). This variant is present in population databases (rs773167768, gnomAD 0.01%). This variant has not been reported in the literature in individuals affected with MYO7A-related conditions. ClinVar contains an entry for this variant (Variation ID: 1369589). Invitae Evidence Modeling of protein sequence and biophysical properties (such as structural, functional, and spatial information, amino acid conservation, physicochemical variation, residue mobility, and thermodynamic stability) indicates that this missense variant is not expected to disrupt MYO7A protein function with a negative predictive value of 95%. In summary, the available evidence is currently insufficient to determine the role of this variant in disease. Therefore, it has been classified as a Variant of Uncertain Significance.

Blueprint Genetics
Classification: Uncertain significance. Last evaluated: 2020-03-13. Review status: criteria provided, single submitter. Criteria: ACMG Guidelines, 2015. Collection method: clinical testing. Allele origin: germline.

NM_000260.4(MYO7A):c.6317A>C (p.Lys2106Thr)

Gene: MYO7A (myosin VIIA; plus strand). Cytogenetic location: 11q13.5.
Variant type: single nucleotide variant.
Coding change: c.6317A>C on transcript NM_000260.4 (MANE Select); coding-DNA position 6317, A replaced by C.
Protein change: p.Lys2106Thr; replaces lysine 2106 with threonine.
Molecular consequence: missense variant.
Genome position (GRCh38, 1-based): chr11:77,211,900, A>C. VCF-style: chr11-77211900-A-C. GRCh37 (hg19) VCF-style: chr11-76922945-A-C.
Other names: c.6203A>C, p.Lys2068Thr (NM_001127180.2); c.6170A>C, p.Lys2057Thr (NM_001369365.1); short protein forms K2106T, K2057T, K2068T.
Identifiers: ClinVar variation 1369589 (VCV001369589.7), dbSNP rs773167768, ClinGen allele CA6198997.
Genomic context (GRCh38, chr11:77,211,900, plus strand): 5'-ACAAGCACGCAGGGAAGTCCAAGGAGGAGGCCAAGCTGGCCTTCCTGAAGCTCATCTTCA[A>C]GTGGCCCACCTTTGGCTCAGCCTTCTTCGAGGTGAAGGTACACCATGGGCTTCTCAGAGC-3'
Protein context (NP_000251.3, residues 2096-2116): AKLAFLKLIF[Lys2106Thr]WPTFGSAFFE